The following is an entry in ClinVar:

NM_007255.3(B4GALT7):c.633C>T (p.Tyr211=)

Gene: B4GALT7 (beta-1,4-galactosyltransferase 7; plus strand). Cytogenetic location: 5q35.3.
Variant type: single nucleotide variant.
Coding change: c.633C>T on transcript NM_007255.3 (MANE Select); coding-DNA position 633, C replaced by T.
Protein change: p.Tyr211=; no amino-acid change (tyrosine 211 retained).
Molecular consequence: synonymous variant.
Genome position (GRCh38, 1-based): chr5:177,607,521, C>T. VCF-style: chr5-177607521-C-T. GRCh37 (hg19) VCF-style: chr5-177034522-C-T.
Other names: p.Tyr211=.
Identifiers: ClinVar variation 2961071 (VCV002961071.4), dbSNP rs1768051362, ClinGen allele CA447993984.
Genomic context (GRCh38, chr5:177,607,521, plus strand): 5'-CCCTCTCTACCACTACAAGACCTATGTCGGCGGCATCCTGCTGCTCTCCAAGCAGCACTA[C>T]CGGCTGGTGAGGCCCGGACAGCCTGCTCTGCTCAGAGCCGGGAGCTCCCTCCAGGCTGCG-3'
Protein context (NP_009186.1, residues 201-221): GGILLLSKQH[Tyr211=]RLCNGMSNRF

ClinVar aggregate classification (germline): Likely benign. Review status: criteria provided, multiple submitters, no conflicts (2 of 4 stars). 2 submissions from 2 submitters: Likely benign (2). Last evaluated 2024-11-07.

Conditions:
Spondylodysplastic Ehlers-Danlos syndrome. Identifiers: Orphanet 536471, Orphanet 75496, MedGen C5680154, MONDO:0007526.

Allele frequency attached by ClinVar (database versions not stated): gnomAD exomes below 0.00001; TOPMed 0.00003.
gnomAD v4.1: 3 of 1,611,418 alleles (0.00019%); highest among the groups gnomAD compares: Admixed American, 0.0017%; no homozygotes.

Submissions (2):

Mayo Clinic Laboratories, Mayo Clinic
Classification: Likely benign. Last evaluated: 2024-11-07. Review status: criteria provided, single submitter. Criteria: ACMG Guidelines, 2015. Collection method: clinical testing. Allele origin: germline. Observed: 1 variant allele.
Comment: BP4, BP7, PM2_supporting

Labcorp Genetics (formerly Invitae), Labcorp
Classification: Likely benign for Spondylodysplastic Ehlers-Danlos syndrome. Last evaluated: 2023-07-26. Review status: criteria provided, single submitter. Criteria: Invitae Variant Classification Sherloc (09022015). Collection method: clinical testing. Allele origin: germline.